The following is an entry in ClinVar:

ClinVar aggregate classification (germline): Benign (1 of 4 stars; one submission).

Conditions:
Familial cancer of breast. Also called: Hereditary breast cancer; hereditary breast carcinoma; BREAST CANCER, FAMILIAL. Identifiers: Orphanet 227535, MedGen C0346153, MONDO:0016419, OMIM 114480. Disease mechanism: loss of function.

Submission:

Myriad Genetics, Inc.
Classification: Benign for Familial cancer of breast. Last evaluated: 2025-01-13. Review status: criteria provided, single submitter. Criteria: Myriad Autosomal Dominant, Autosomal Recessive and X-Linked Classification Criteria (2023). Collection method: clinical testing. Allele origin: unknown.
Comment: This variant is considered benign. This variant is a silent/synonymous amino acid change and it is not expected to impact splicing.

NM_024675.4(PALB2):c.1464C>T (p.Ser488=)

Gene: PALB2 (partner and localizer of BRCA2; minus strand). Cytogenetic location: 16p12.2.
Variant type: single nucleotide variant.
Coding change: c.1464C>T on transcript NM_024675.4 (MANE Select); coding-DNA position 1464, C replaced by T.
Protein change: p.Ser488=; no amino-acid change (serine 488 retained).
Molecular consequence: synonymous variant. On other transcripts: intron variant (3).
Genome position (GRCh38, 1-based): chr16:23,635,082, G>A on the plus strand (C>T on the coding strand, the complement: PALB2 is on the minus strand). VCF-style: chr16-23635082-G-A. GRCh37 (hg19) VCF-style: chr16-23646403-G-A.
Other names: c.1404C>T, p.Ser468= (NM_001407296.1); c.1464C>T, p.Ser488= (NM_001407297.1, NM_001407298.1, NM_001407299.1 and 3 more transcripts); c.579C>T, p.Ser193= (NM_001407304.1, NM_001407305.1, NM_001407306.1 and 5 more transcripts); c.49-5807C>T (NM_001407314.1); c.-104-4613C>T (NM_001407313.1, NM_001407312.1).
Identifiers: ClinVar variation 3903957 (VCV003903957.1).
Genomic context (GRCh38, chr16:23,635,082, plus strand): 5'-AGGTGCTTGGGCAACTGCCTTCCTAGACAAGTCATTATCTTCAGTGGGCCCAGCGGGAGA[G>A]CTGACTTTAGTTAATGAGAGAAGTTTCTGAGAGGTTCTTGAACTTGGTTGTCCTGTGCAT-3'
Protein context (NP_078951.2, residues 478-498): SQKLLSLTKV[Ser488=]SPAGPTEDND